The following is an entry in ClinVar:

ClinVar aggregate classification (germline): Pathogenic. Review status: criteria provided, multiple submitters, no conflicts (2 of 4 stars). 2 submissions from 2 submitters: Pathogenic (2). Last evaluated 2022-08-16.

Conditions:
Reticular dysgenesis. Also called: ALEUKOCYTOSIS; CONGENITAL ALEUKIA; HEMATOPOIETIC HYPOPLASIA, GENERALIZED; RETICULAR DYSGENESIA; SEVERE COMBINED IMMUNODEFICIENCY WITH LEUKOPENIA; DeVaal disease. Identifiers: Orphanet 33355, MedGen C0272167, MONDO:0009973, OMIM 267500.

Submissions (2):

Labcorp Genetics (formerly Invitae), Labcorp
Classification: Pathogenic for Reticular dysgenesis. Last evaluated: 2022-08-16. Review status: criteria provided, single submitter. Criteria: Invitae Variant Classification Sherloc (09022015). Collection method: clinical testing. Allele origin: germline.
Comment: This sequence change falls in intron 3 of the AK2 gene. It does not directly change the encoded amino acid sequence of the AK2 protein. RNA analysis indicates that this variant induces altered splicing and likely results in a shortened protein product. This variant is not present in population databases (gnomAD no frequency). This variant has been observed in individual(s) with reticular dysgenesis (PMID: 32532877). ClinVar contains an entry for this variant (Variation ID: 661953). Variants that disrupt the consensus splice site are a relatively common cause of aberrant splicing (PMID: 17576681, 9536098). Studies have shown that this variant results in skipping of exon 3, but is expected to preserve the integrity of the reading-frame (PMID: 32532877). For these reasons, this variant has been classified as Pathogenic.

Ambry Genetics
Classification: Pathogenic for Reticular dysgenesis. Last evaluated: 2019-04-10. Review status: criteria provided, single submitter. Criteria: Ambry Autosomal Dominant and X-Linked criteria (3/2017). Collection method: clinical testing. Allele origin: germline. Observed: 1 variant allele.

Literature cited by the submitters: PubMed 32532877 (cited by Labcorp Genetics (formerly Invitae), Labcorp); PubMed 17576681 (cited by Labcorp Genetics (formerly Invitae), Labcorp); PubMed 9536098 (cited by Labcorp Genetics (formerly Invitae), Labcorp).

NM_001625.4(AK2):c.330+5G>A

Gene: AK2 (adenylate kinase 2; minus strand). Cytogenetic location: 1p35.1.
Variant type: single nucleotide variant.
Coding change: c.330+5G>A on transcript NM_001625.4 (MANE Select); 5 bases into the intron after coding-DNA position 330, G replaced by A.
Molecular consequence: intron variant.
Genome position (GRCh38, 1-based): chr1:33,021,588, C>T on the plus strand (G>A on the coding strand, the complement: AK2 is on the minus strand). VCF-style: chr1-33021588-C-T. GRCh37 (hg19) VCF-style: chr1-33487189-C-T.
Other names: c.330+5G>A (NM_013411.5, NM_001319143.2, NM_001199199.3 and 1 more transcripts); c.204+5G>A (NM_001319142.3); c.186+5G>A (NM_001319139.3, NM_001319140.2).
Identifiers: ClinVar variation 661953 (VCV000661953.10), dbSNP rs1569646997, ClinGen allele CA417068415.